The following is an entry in ClinVar:

ClinVar aggregate classification (germline): Uncertain significance (1 of 4 stars; one submission).

Submission:

Ambry Genetics
Classification: Uncertain significance. Last evaluated: 2022-07-17. Review status: criteria provided, single submitter. Criteria: Ambry Variant Classification Scheme 2023. Collection method: clinical testing. Allele origin: germline.
Comment: The p.V527L variant (also known as c.1579G>C), located in coding exon 10 of the POLQ gene, results from a G to C substitution at nucleotide position 1579. The valine at codon 527 is replaced by leucine, an amino acid with highly similar properties. This amino acid position is conserved. In addition, this alteration is predicted to be tolerated by in silico analysis. Since supporting evidence is limited at this time, the clinical significance of this alteration remains unclear.

NM_199420.4(POLQ):c.1579G>C (p.Val527Leu)

Gene: POLQ (DNA polymerase theta; minus strand). Cytogenetic location: 3q13.33.
Variant type: single nucleotide variant.
Coding change: c.1579G>C on transcript NM_199420.4 (MANE Select); coding-DNA position 1579, G replaced by C.
Protein change: p.Val527Leu; replaces valine 527 with leucine.
Molecular consequence: missense variant.
Genome position (GRCh38, 1-based): chr3:121,511,919, C>G on the plus strand (G>C on the coding strand, the complement: POLQ is on the minus strand). VCF-style: chr3-121511919-C-G. GRCh37 (hg19) VCF-style: chr3-121230766-C-G.
Other names: short protein forms V527L.
Identifiers: ClinVar variation 1775642 (VCV001775642.2), dbSNP rs2546804236, ClinGen allele CA354116042.